The following is an entry in ClinVar:

ClinVar aggregate classification (germline): Uncertain significance (1 of 4 stars; one submission).

Conditions:
Cardiomyopathy (CMYO). Also called: Cardiomyopathies. Identifiers: Orphanet 167848, MedGen C0878544, MONDO:0004994, HP:0001638. Inheritance: Various modes of inheritance.

Submission:

Color Diagnostics, LLC DBA Color Health
Classification: Uncertain significance for Cardiomyopathy. Last evaluated: 2023-12-21. Review status: criteria provided, single submitter. Criteria: ACMG Guidelines, 2015. Collection method: clinical testing. Allele origin: germline.
Comment: This variant results in an in-frame duplication of two amino acids (p.Ala456_Thr457dup) in the DSC2 protein. To our knowledge, functional studies have not been reported for this variant. This variant has not been reported in individuals affected with DSC2-related disorders in the literature. This variant has not been identified in the general population by the Genome Aggregation Database (gnomAD). The available evidence is insufficient to determine the role of this variant in disease conclusively. Therefore, this variant is classified as a Variant of Uncertain Significance.

NM_024422.6(DSC2):c.1367_1372dup (p.Thr457_Val458insAlaThr)

Gene: DSC2 (desmocollin 2; minus strand). Cytogenetic location: 18q12.1.
Variant type: Duplication.
Coding change: c.1367_1372dup on transcript NM_024422.6 (MANE Select); coding-DNA positions 1367 to 1372, 6 bases duplicated (CAACAG; older notation c.1367_1372dupCAACAG).
Protein change: p.Thr457_Val458insAlaThr.
Genome position (GRCh38, 1-based): chr18:31,080,244-31,080,249, CTGTTG duplicated on the plus strand (CAACAG on the coding strand, the reverse complement: DSC2 is on the minus strand); duplicating any 6 consecutive bases within chr18:31,080,244-31,080,253 gives the same sequence; the c. name uses the placement nearest the transcript's 3' end. VCF-style (leftmost placement, unchanged base first): chr18-31080243-A-ACTGTTG. GRCh37 (hg19) VCF-style: chr18-28660209-A-ACTGTTG.
Other names: c.938_943dup, p.Thr314_Val315insAlaThr (NM_001406506.1, NM_001406507.1); c.1367_1372dup, p.Thr457_Val458insAlaThr (NM_004949.5).
Identifiers: ClinVar variation 3894418 (VCV003894418.1).